The following is an entry in ClinVar:

ClinVar aggregate classification (germline): Uncertain significance (1 of 4 stars; one submission).

Conditions:
Glutaric aciduria, type 1. Also called: Glutaryl-CoA dehydrogenase deficiency; Glutaricaciduria, type I; GA I; Glutaric acidemia type I; Glutaricacidemia Type 1; Glutaric Acidemia Type 1. Identifiers: Orphanet 25, MedGen C0268595, MONDO:0009281, OMIM 231670.

Submission:

Labcorp Genetics (formerly Invitae), Labcorp
Classification: Uncertain significance for Glutaric aciduria, type 1. Last evaluated: 2019-01-30. Review status: criteria provided, single submitter. Criteria: Invitae Variant Classification Sherloc (09022015). Collection method: clinical testing. Allele origin: germline.
Comment: In summary, the available evidence is currently insufficient to determine the role of this variant in disease. Therefore, it has been classified as a Variant of Uncertain Significance. Algorithms developed to predict the effect of missense changes on protein structure and function are either unavailable or do not agree on the potential impact of this missense change (SIFT: "Deleterious"; PolyPhen-2: "Benign"; Align-GVGD: "Class C0"). This variant has not been reported in the literature in individuals with GCDH-related conditions. This variant is not present in population databases (ExAC no frequency). This sequence change replaces arginine with serine at codon 45 of the GCDH protein (p.Arg45Ser). The arginine residue is moderately conserved and there is a moderate physicochemical difference between arginine and serine.

NM_000159.4(GCDH):c.133C>A (p.Arg45Ser)

Genes: GCDH (glutaryl-CoA dehydrogenase; plus strand), LOC117125594 (CRISPRi-FlowFISH-validated KLF1 regulatory element; plus strand). Cytogenetic location: 19p13.13.
Variant type: single nucleotide variant.
Coding change: c.133C>A on transcript NM_000159.4 (MANE Select); coding-DNA position 133, C replaced by A.
Protein change: p.Arg45Ser; replaces arginine 45 with serine.
Molecular consequence: missense variant. On other transcripts: non-coding transcript variant (2).
Genome position (GRCh38, 1-based): chr19:12,891,836, C>A. VCF-style: chr19-12891836-C-A. GRCh37 (hg19) VCF-style: chr19-13002650-C-A.
Other names: c.133C>A, p.Arg45Ser (NM_013976.5); short protein forms R45S.
Identifiers: ClinVar variation 840269 (VCV000840269.8), dbSNP rs1422889400, ClinGen allele CA404314719.